The following is an entry in ClinVar:

NM_004370.6(COL12A1):c.6500C>G (p.Thr2167Arg)

Gene: COL12A1 (collagen type XII alpha 1 chain; minus strand). Cytogenetic location: 6q13.
Variant type: single nucleotide variant.
Coding change: c.6500C>G on transcript NM_004370.6 (MANE Select); coding-DNA position 6500, C replaced by G.
Protein change: p.Thr2167Arg; replaces threonine 2167 with arginine.
Molecular consequence: missense variant.
Genome position (GRCh38, 1-based): chr6:75,125,234, G>C on the plus strand (C>G on the coding strand, the complement: COL12A1 is on the minus strand). VCF-style: chr6-75125234-G-C. GRCh37 (hg19) VCF-style: chr6-75834950-G-C.
Other names: c.3008C>G, p.Thr1003Arg (NM_080645.3); short protein forms T1003R, T2167R.
Identifiers: ClinVar variation 1318892 (VCV001318892.4), dbSNP rs2149375589, ClinGen allele CA364729491.
Genomic context (GRCh38, chr6:75,125,234, plus strand): 5'-TGAGCATAAACATTCACATCGTAGGTGGTGCTGGGATTGAGATTGTGTAAGGTATATGAT[G>C]TCATTTCTCCAACAAAGGCTTCCATGGGCTCATTGGAACCTTTATTAACAACCACAAAAA-3'
Protein context (NP_004361.3, residues 2157-2177): EPMEAFVGEM[Thr2167Arg]SYTLHNLNPS

ClinVar aggregate classification (germline): Uncertain significance. Review status: criteria provided, multiple submitters, no conflicts (2 of 4 stars). 2 submissions from 2 submitters: Uncertain significance (2). Last evaluated 2025-01-26.

Conditions:
Ullrich congenital muscular dystrophy 2 (UCMD2). Identifiers: Orphanet 75840, MedGen C4225314, MONDO:0014654, OMIM 616470.
Bethlem myopathy 2 (BTHLM2). Identifiers: Orphanet 536516, Orphanet 610, MedGen C4225313, MONDO:0034022, OMIM 616471.

gnomAD v4.1: 1 of 1,609,996 alleles (0.000062%); highest among the groups gnomAD compares: Non-Finnish European, 0.000085%; no homozygotes.

Submissions (2):

Labcorp Genetics (formerly Invitae), Labcorp
Classification: Uncertain significance for Bethlem myopathy 2; Ullrich congenital muscular dystrophy 2. Last evaluated: 2025-01-26. Review status: criteria provided, single submitter. Criteria: Invitae Variant Classification Sherloc (09022015). Collection method: clinical testing. Allele origin: germline.
Comment: This sequence change replaces threonine, which is neutral and polar, with arginine, which is basic and polar, at codon 2167 of the COL12A1 protein (p.Thr2167Arg). This variant is not present in population databases (gnomAD no frequency). This variant has not been reported in the literature in individuals affected with COL12A1-related conditions. ClinVar contains an entry for this variant (Variation ID: 1318892). Invitae Evidence Modeling of protein sequence and biophysical properties (such as structural, functional, and spatial information, amino acid conservation, physicochemical variation, residue mobility, and thermodynamic stability) indicates that this missense variant is not expected to disrupt COL12A1 protein function with a negative predictive value of 80%. In summary, the available evidence is currently insufficient to determine the role of this variant in disease. Therefore, it has been classified as a Variant of Uncertain Significance.

GeneDx
Classification: Uncertain significance. Last evaluated: 2019-10-14. Review status: criteria provided, single submitter. Criteria: GeneDx Variant Classification Process June 2021. Collection method: clinical testing. Allele origin: germline. Affected: yes.
Comment: Has not been previously published as pathogenic or benign to our knowledge; Not observed in large population cohorts (Lek et al., 2016); In silico analysis, which includes protein predictors and evolutionary conservation, supports that this variant does not alter protein structure/function